The following is an entry in ClinVar:

NM_001267052.2(UNC45B):c.673C>T (p.Arg225Ter)

Gene: UNC45B (unc-45 myosin chaperone B; plus strand). Cytogenetic location: 17q12.
Variant type: single nucleotide variant.
Coding change: c.673C>T on transcript NM_001267052.2 (MANE Select); coding-DNA position 673, C replaced by T.
Protein change: p.Arg225Ter; replaces arginine 225 with a stop codon.
Molecular consequence: nonsense.
Genome position (GRCh38, 1-based): chr17:35,155,329, C>T. VCF-style: chr17-35155329-C-T. GRCh37 (hg19) VCF-style: chr17-33482348-C-T.
Other names: c.673C>T, p.Arg225Ter (NM_001033576.2, NM_001308281.1, NM_173167.3); short protein forms R225*.
Identifiers: ClinVar variation 4526957 (VCV004526957.1).
Genomic context (GRCh38, chr17:35,155,329, plus strand): 5'-TGACCATGGTTCTTGCTGGGGTTCTAGGCCACAGTGATTCTGCATGCAGTGCGGATAGAC[C>T]GAATCTGTAGCCTCATGGCCGTGGAGAATGAGGAGATGTCTCTGGCTGTCTGCAACCTGC-3'

ClinVar aggregate classification (germline): Uncertain significance (1 of 4 stars; one submission).

gnomAD v4.1: 28 of 1,614,104 alleles (0.0017%); highest among the groups gnomAD compares: Admixed American, 0.0033%; no homozygotes.

Submission:

GeneDx
Classification: Uncertain significance. Last evaluated: 2025-04-28. Review status: criteria provided, single submitter. Criteria: GeneDx Variant Classification Process June 2021. Collection method: clinical testing. Allele origin: germline. Affected: yes.
Comment: Has not been previously published as pathogenic or benign to our knowledge; Nonsense variant predicted to result in protein truncation or nonsense mediated decay in a gene for which loss-of-function is not an established mechanism of disease